The following is an entry in ClinVar:

NM_001378328.1(CELSR1):c.5847C>T (p.Leu1949=)

Gene: CELSR1 (cadherin EGF LAG seven-pass G-type receptor 1; minus strand). Cytogenetic location: 22q13.31.
Variant type: single nucleotide variant.
Coding change: c.5847C>T on transcript NM_001378328.1 (MANE Select); coding-DNA position 5847, C replaced by T.
Protein change: p.Leu1949=; no amino-acid change (leucine 1949 retained).
Molecular consequence: synonymous variant.
Genome position (GRCh38, 1-based): chr22:46,394,259, G>A on the plus strand (C>T on the coding strand, the complement: CELSR1 is on the minus strand). VCF-style: chr22-46394259-G-A. GRCh37 (hg19) VCF-style: chr22-46790156-G-A.
Other names: c.5847C>T, p.Leu1949= (NM_014246.4).
Identifiers: ClinVar variation 3043361 (VCV003043361.3), dbSNP rs141237528, ClinGen allele CA10294054.

ClinVar aggregate classification (germline): Likely benign. Review status: criteria provided, single submitter (1 of 4 stars). 2 submissions from 2 submitters: Likely benign (1). 1 of the submissions does not count toward it. Last evaluated 2024-01-18.

Conditions:
CELSR1-related disorder. Also called: CELSR1-related condition.

Allele frequency attached by ClinVar (database versions not stated): ExAC 0.00085; 1000 Genomes Project 0.00180; 1000 Genomes Project 30x 0.00187; gnomAD 0.00255; TOPMed 0.00283; ESP Exome Variant Server 0.00300.
gnomAD v4.1: 783 of 1,612,642 alleles (0.049%); highest among the groups gnomAD compares: African/African-American, 0.91%; 3 homozygotes.

Submissions (2):

Blueprint Genetics
Classification: Likely benign. Last evaluated: 2024-01-18. Review status: criteria provided, single submitter. Criteria: ACMG Guidelines, 2015. Collection method: clinical testing. Allele origin: germline.

PreventionGenetics, part of Exact Sciences
Classification: Benign for CELSR1-related condition. Last evaluated: 2019-06-25. Review status: no assertion criteria provided. Collection method: clinical testing. Allele origin: germline. Not counted in ClinVar's aggregate classification.
Comment: This variant is classified as benign based on ACMG/AMP sequence variant interpretation guidelines (Richards et al. 2015 PMID: 25741868, with internal and published modifications).